The following is an entry in ClinVar:

NM_013266.4(CTNNA3):c.1361C>G (p.Thr454Ser)

Gene: CTNNA3 (catenin alpha 3; minus strand). Cytogenetic location: 10q21.3.
Variant type: single nucleotide variant.
Coding change: c.1361C>G on transcript NM_013266.4 (MANE Select); coding-DNA position 1361, C replaced by G.
Protein change: p.Thr454Ser; replaces threonine 454 with serine.
Molecular consequence: missense variant.
Genome position (GRCh38, 1-based): chr10:66,621,705, G>C on the plus strand (C>G on the coding strand, the complement: CTNNA3 is on the minus strand). VCF-style: chr10-66621705-G-C. GRCh37 (hg19) VCF-style: chr10-68381463-G-C.
Other names: c.1361C>G, p.Thr454Ser (NM_001127384.3); short protein forms T454S.
Identifiers: ClinVar variation 1716171 (VCV001716171.5), dbSNP rs1409791712, ClinGen allele CA377091575.

ClinVar aggregate classification (germline): Uncertain significance (1 of 4 stars; one submission).

Conditions:
Arrhythmogenic right ventricular dysplasia 13. Also called: ARRHYTHMOGENIC RIGHT VENTRICULAR CARDIOMYOPATHY 13; Arrhythmogenic right ventricular dysplasia, familial, 13. Identifiers: MedGen C3810138, MONDO:0000908, OMIM 615616.

Submission:

Labcorp Genetics (formerly Invitae), Labcorp
Classification: Uncertain significance for Arrhythmogenic right ventricular dysplasia 13. Last evaluated: 2022-08-12. Review status: criteria provided, single submitter. Criteria: Invitae Variant Classification Sherloc (09022015). Collection method: clinical testing. Allele origin: germline.
Comment: In summary, the available evidence is currently insufficient to determine the role of this variant in disease. Therefore, it has been classified as a Variant of Uncertain Significance. Algorithms developed to predict the effect of missense changes on protein structure and function output the following: SIFT: "Tolerated"; PolyPhen-2: "Possibly Damaging"; Align-GVGD: "Class C0". The serine amino acid residue is found in multiple mammalian species, which suggests that this missense change does not adversely affect protein function. This variant has not been reported in the literature in individuals affected with CTNNA3-related conditions. This variant is present in population databases (no rsID available, gnomAD 0.003%). This sequence change replaces threonine, which is neutral and polar, with serine, which is neutral and polar, at codon 454 of the CTNNA3 protein (p.Thr454Ser).